The following is an entry in ClinVar:

ClinVar aggregate classification (germline): Pathogenic. Review status: criteria provided, multiple submitters, no conflicts (2 of 4 stars). 3 submissions from 3 submitters: Pathogenic (2). 1 of the submissions does not count toward it. Last evaluated 2026-06-30.

Conditions:
Hereditary cancer-predisposing syndrome. Also called: Neoplastic Syndromes, Hereditary; Tumor predisposition; Hereditary Cancer Syndrome; Hereditary neoplastic syndrome. Identifiers: Orphanet 140162, MedGen C0027672, MeSH D009386, MONDO:0015356.
Schwannomatosis. Identifiers: Orphanet 93921, MedGen C1335929, MeSH C536641, MONDO:0008075.

Submissions (3):

Ambry Genetics
Classification: Pathogenic for Hereditary cancer-predisposing syndrome. Last evaluated: 2026-06-30. Review status: criteria provided, single submitter. Criteria: Ambry Variant Classification Scheme 2023. Collection method: clinical testing. Allele origin: germline.
Comment: The p.E122* pathogenic mutation (also known as c.364G>T), located in coding exon 4 of the SMARCB1 gene, results from a G to T substitution at nucleotide position 364. This changes the amino acid from a glutamic acid to a stop codon within coding exon 4. This variant was reported in individual(s) with schwannomatosis (Boyd C et al. Clin Genet, 2008 Oct;74:358-66; Allaf A et al. Cold Spring Harb Mol Case Stud, 2022 Jun;8). This variant is considered to be rare based on population cohorts in the Genome Aggregation Database (gnomAD). This alteration is expected to result in loss of function by premature protein truncation or nonsense-mediated mRNA decay. Loss-of-function variants in SMARCB1 are known to cause rhabdoid tumor predisposition syndrome; however, such associations with neurodevelopmental disorders are exceedingly rare (Kosho T et al. Am J Med Genet C Semin Med Genet. 2014 Sep;166C(3):262-75; Eaton KW et al. Pediatr Blood Cancer. 2011 Jan;56(1):7-15). Based on the supporting evidence, this variant is pathogenic for SMARCB1-related tumor predisposition syndrome; however, the association of this variant with Coffin-Siris syndrome is unlikely.

Labcorp Genetics (formerly Invitae), Labcorp
Classification: Pathogenic. Last evaluated: 2021-05-09. Review status: criteria provided, single submitter. Criteria: Invitae Variant Classification Sherloc (09022015). Collection method: clinical testing. Allele origin: germline.
Comment: This sequence change creates a premature translational stop signal (p.Glu122*) in the SMARCB1 gene. It is expected to result in an absent or disrupted protein product. This variant is not present in population databases (ExAC no frequency). This variant has been observed in individual(s) with schwannomatosis (PMID: 18647326). It has also been observed to segregate with disease in related individuals. Algorithms developed to predict the effect of sequence changes on RNA splicing suggest that this variant may create or strengthen a splice site, but this prediction has not been confirmed by published transcriptional studies. Loss-of-function variants in SMARCB1 are known to be pathogenic (PMID: 10521299, 21208904). For these reasons, this variant has been classified as Pathogenic.

Fernandez-Valle lab, University of Central Florida
Classification: Pathogenic for Schwannomatosis. Review status: no assertion criteria provided. Collection method: clinical testing, in vitro. Allele origin: germline, not applicable. Inheritance: Sporadic. Affected: yes. Not counted in ClinVar's aggregate classification.
Comment: Individuals with schwannomatosis develop multiple schwannomas in cranial, spinal and peripheral nerves and suffer with debilitating chronic pain often unrelated to any schwannoma. Pathogenic variants of two genes, SMARCB1 and LZTR1, are causal in familial cases. In summary, we observed this variant to be pathogenic.

Literature cited by the submitters: PubMed 18647326 (cited by Ambry Genetics and Labcorp Genetics (formerly Invitae), Labcorp); PubMed 35732500 (cited by Ambry Genetics); PubMed 10521299 (cited by Labcorp Genetics (formerly Invitae), Labcorp); PubMed 21208904 (cited by Labcorp Genetics (formerly Invitae), Labcorp); PubMed 22434358 (cited by Fernandez-Valle lab, University of Central Florida).

NM_003073.5(SMARCB1):c.364G>T (p.Glu122Ter)

Gene: SMARCB1 (SWI/SNF related BAF chromatin remodeling complex subunit B1; plus strand). Cytogenetic location: 22q11.23.
Variant type: single nucleotide variant.
Coding change: c.364G>T on transcript NM_003073.5 (MANE Select); coding-DNA position 364, G replaced by T.
Protein change: p.Glu122Ter; replaces glutamic acid 122 with a stop codon.
Molecular consequence: nonsense.
Genome position (GRCh38, 1-based): chr22:23,800,945, G>T. VCF-style: chr22-23800945-G-T. GRCh37 (hg19) VCF-style: chr22-24143132-G-T.
Other names: c.337G>T, p.Glu113Ter (NM_001007468.3, NM_001317946.2); c.364G>T, p.Glu122Ter (NM_001362877.2); short protein forms E113*, E122*.
Identifiers: ClinVar variation 1076272 (VCV001076272.12), dbSNP rs1929106223, ClinGen allele CA410934287.